The following is an entry in ClinVar:

ClinVar aggregate classification (germline): Uncertain significance (1 of 4 stars; one submission).

Conditions:
Familial thoracic aortic aneurysm and aortic dissection (TAAD). Also called: Thoracic aortic aneurysms and dissections. Identifiers: Orphanet 91387, MedGen C4707243, MONDO:0019625.

Submission:

Color Diagnostics, LLC DBA Color Health
Classification: Uncertain significance for Familial thoracic aortic aneurysm and aortic dissection. Last evaluated: 2025-06-17. Review status: criteria provided, single submitter. Criteria: ACMG Guidelines, 2015. Collection method: clinical testing. Allele origin: germline.
Comment: This missense variant replaces glutamic acid with glutamine at codon 422 of the MYH11 protein. Computational prediction is inconclusive regarding the impact of this variant on protein structure and function. To our knowledge, functional studies have not been reported for this variant. This variant has not been reported in individuals affected with MYH11-related disorders in the literature. This variant has not been identified in the general population by the Genome Aggregation Database (gnomAD). The available evidence is insufficient to determine the role of this variant in disease conclusively. Therefore, this variant is classified as a Variant of Uncertain Significance.

NM_002474.3(MYH11):c.1243G>C (p.Glu415Gln)

Gene: MYH11 (myosin heavy chain 11; minus strand). Cytogenetic location: 16p13.11.
Variant type: single nucleotide variant.
Coding change: c.1243G>C on transcript NM_002474.3 (MANE Select); coding-DNA position 1243, G replaced by C.
Protein change: p.Glu415Gln; replaces glutamic acid 415 with glutamine.
Molecular consequence: missense variant.
Genome position (GRCh38, 1-based): chr16:15,760,545, C>G on the plus strand (G>C on the coding strand, the complement: MYH11 is on the minus strand). VCF-style: chr16-15760545-C-G. GRCh37 (hg19) VCF-style: chr16-15854402-C-G.
Other names: c.1264G>C, p.Glu422Gln (NM_001040113.2, NM_001040114.2); c.1243G>C, p.Glu415Gln (NM_022844.3); short protein forms E415Q, E422Q.
Identifiers: ClinVar variation 4756974 (VCV004756974.1).